The following is an entry in ClinVar:

ClinVar aggregate classification (germline): Pathogenic (1 of 4 stars; one submission).

Conditions:
Mucopolysaccharidosis type 1. Also called: IDUA deficiency; MPS I; Mucopolysaccharidosis Type I. Identifiers: Orphanet 579, MedGen C0023786, MONDO:0001586.

Submission:

Labcorp Genetics (formerly Invitae), Labcorp
Classification: Pathogenic for Mucopolysaccharidosis type 1. Last evaluated: 2025-01-21. Review status: criteria provided, single submitter. Criteria: Invitae Variant Classification Sherloc (09022015). Collection method: clinical testing. Allele origin: germline.
Comment: This sequence change creates a premature translational stop signal (p.Arg45Alafs*63) in the IDUA gene. It is expected to result in an absent or disrupted protein product. Loss-of-function variants in IDUA are known to be pathogenic (PMID: 11735025, 21480867). This variant is not present in population databases (gnomAD no frequency). This variant has not been reported in the literature in individuals affected with IDUA-related conditions. ClinVar contains an entry for this variant (Variation ID: 1457071). For these reasons, this variant has been classified as Pathogenic.

Literature cited by the submitters: PubMed 11735025; PubMed 21480867.

NM_000203.5(IDUA):c.132del (p.Arg45fs)

Genes: IDUA (alpha-L-iduronidase; plus strand), SLC26A1 (solute carrier family 26 member 1; minus strand). Cytogenetic location: 4p16.3.
Variant type: Deletion.
Coding change: c.132del on transcript NM_000203.5 (MANE Select); coding-DNA position 132, one base deleted (G; older notation c.132delG).
Protein change: p.Arg45fs; shifts the reading frame from arginine 45.
Molecular consequence: frameshift variant. On other transcripts: non-coding transcript variant (1), intron variant (1).
Genome position (GRCh38, 1-based): chr4:987,216, G deleted; the last of 2 consecutive G bases (chr4:987,215-987,216); deleting either gives the same sequence. VCF-style (leftmost placement, unchanged base first): chr4-987214-CG-C. GRCh37 (hg19) VCF-style: chr4-981002-CG-C.
Other names: c.576+3913del (NM_134425.4); short protein forms R45fs.
Identifiers: ClinVar variation 1457071 (VCV001457071.7), dbSNP rs2153015244, ClinGen allele CA2573138239.